The following is an entry in ClinVar:

NM_004385.5(VCAN):c.3739G>A (p.Asp1247Asn)

Gene: VCAN (versican; plus strand). Cytogenetic location: 5q14.3.
Variant type: single nucleotide variant.
Coding change: c.3739G>A on transcript NM_004385.5 (MANE Select); coding-DNA position 3739, G replaced by A.
Protein change: p.Asp1247Asn; replaces aspartic acid 1247 with asparagine.
Molecular consequence: missense variant. On other transcripts: intron variant (2).
Genome position (GRCh38, 1-based): chr5:83,522,045, G>A. VCF-style: chr5-83522045-G-A. GRCh37 (hg19) VCF-style: chr5-82817864-G-A.
Other names: c.3739G>A, p.Asp1247Asn (NM_001164098.2); c.1042+9649G>A (NM_001164097.2, NM_001126336.3); short protein forms D1247N.
Identifiers: ClinVar variation 958416 (VCV000958416.9), dbSNP rs1479441208, ClinGen allele CA360306706.

ClinVar aggregate classification (germline): Uncertain significance (1 of 4 stars; one submission).

Allele frequency attached by ClinVar (database versions not stated): gnomAD exomes below 0.00001 and 0.00001; gnomAD 0.00001; TOPMed 0.00001.

Submission:

Labcorp Genetics (formerly Invitae), Labcorp
Classification: Uncertain significance. Last evaluated: 2024-05-06. Review status: criteria provided, single submitter. Criteria: Invitae Variant Classification Sherloc (09022015). Collection method: clinical testing. Allele origin: germline.
Comment: This sequence change replaces aspartic acid, which is acidic and polar, with asparagine, which is neutral and polar, at codon 1247 of the VCAN protein (p.Asp1247Asn). This variant is present in population databases (no rsID available, gnomAD 0.002%). This variant has not been reported in the literature in individuals affected with VCAN-related conditions. ClinVar contains an entry for this variant (Variation ID: 958416). An algorithm developed to predict the effect of missense changes on protein structure and function (PolyPhen-2) suggests that this variant is likely to be disruptive. In summary, the available evidence is currently insufficient to determine the role of this variant in disease. Therefore, it has been classified as a Variant of Uncertain Significance.